The following is an entry in ClinVar:

NM_000426.4(LAMA2):c.7517A>G (p.Tyr2506Cys)

Gene: LAMA2 (laminin subunit alpha 2; plus strand). Cytogenetic location: 6q22.33.
Variant type: single nucleotide variant.
Coding change: c.7517A>G on transcript NM_000426.4 (MANE Select); coding-DNA position 7517, A replaced by G.
Protein change: p.Tyr2506Cys; replaces tyrosine 2506 with cysteine.
Molecular consequence: missense variant.
Genome position (GRCh38, 1-based): chr6:129,478,758, A>G. VCF-style: chr6-129478758-A-G. GRCh37 (hg19) VCF-style: chr6-129799903-A-G.
Other names: c.7505A>G, p.Tyr2502Cys (NM_001079823.2); short protein forms Y2506C, Y2502C.
Identifiers: ClinVar variation 1348094 (VCV001348094.5), dbSNP rs764657750, ClinGen allele CA365626646.
Genomic context (GRCh38, chr6:129,478,758, plus strand): 5'-AAGTAAATCTGAAGAAATATTCCGGCTGCCTCAAAGATATTGAAATTTCAAGAACTCCGT[A>G]CAATATACTCAGTAGTCCCGATTATGTTGGTGTTACCAAAGGATGTTCCCTGGAGGTTGG-3'
Protein context (NP_000417.3, residues 2496-2516): LKDIEISRTP[Tyr2506Cys]NILSSPDYVG

ClinVar aggregate classification (germline): Uncertain significance (1 of 4 stars; one submission).

Conditions:
LAMA2-related muscular dystrophy (LAMA2-RD). Also called: Laminin alpha 2-related dystrophy. Identifiers: MedGen C5679788, MONDO:0100228.

Allele frequency attached by ClinVar (database versions not stated): gnomAD exomes below 0.00001.
gnomAD v4.1: 1 of 1,612,818 alleles (0.000062%); highest among the groups gnomAD compares: Non-Finnish European, 0.000085%; no homozygotes.

Submission:

Labcorp Genetics (formerly Invitae), Labcorp
Classification: Uncertain significance for LAMA2-related muscular dystrophy. Last evaluated: 2021-09-01. Review status: criteria provided, single submitter. Criteria: Invitae Variant Classification Sherloc (09022015). Collection method: clinical testing. Allele origin: germline.
Comment: This sequence change replaces tyrosine with cysteine at codon 2506 of the LAMA2 protein (p.Tyr2506Cys). The tyrosine residue is highly conserved and there is a large physicochemical difference between tyrosine and cysteine. This variant is not present in population databases (ExAC no frequency). This variant has not been reported in the literature in individuals affected with LAMA2-related conditions. Advanced modeling of protein sequence and biophysical properties (such as structural, functional, and spatial information, amino acid conservation, physicochemical variation, residue mobility, and thermodynamic stability) performed at Invitae indicates that this missense variant is not expected to disrupt LAMA2 protein function. In summary, the available evidence is currently insufficient to determine the role of this variant in disease. Therefore, it has been classified as a Variant of Uncertain Significance.